The following is an entry in ClinVar:

NM_004006.3(DMD):c.985T>A (p.Ser329Thr)

Gene: DMD (dystrophin; minus strand). Cytogenetic location: Xp21.1.
Variant type: single nucleotide variant.
Coding change: c.985T>A on transcript NM_004006.3 (MANE Select); coding-DNA position 985, T replaced by A.
Protein change: p.Ser329Thr; replaces serine 329 with threonine.
Molecular consequence: missense variant.
Genome position (GRCh38, 1-based): chrX:32,645,128, A>T on the plus strand (T>A on the coding strand, the complement: DMD is on the minus strand). VCF-style: chrX-32645128-A-T. GRCh37 (hg19) VCF-style: chrX-32663245-A-T.
Other names: c.961T>A, p.Ser321Thr (NM_000109.4); c.973T>A, p.Ser325Thr (NM_004009.3); c.616T>A, p.Ser206Thr (NM_004010.3); short protein forms S321T, S325T, S329T, S206T.
Identifiers: ClinVar variation 705771 (VCV000705771.26), dbSNP rs756590471, ClinGen allele CA10379987.
Genomic context (GRCh38, chrX:32,645,128, plus strand): 5'-CTAAAGCTGTTTGATAACGGTCCAGGTTTACTTCACTCTCCATCAATGAACTGCCAAATG[A>T]CTTGTCTTCAGGAGCTTCCAAATGCTGCACAATAAAATAAATTGGGTGTTACACAATTAA-3'
Protein context (NP_003997.2, residues 319-339): SQHLEAPEDK[Ser329Thr]FGSSLMESEV

ClinVar aggregate classification (germline): Conflicting classifications of pathogenicity. Review status: criteria provided, conflicting classifications (1 of 4 stars). 5 submissions from 5 submitters: Uncertain significance (1); Benign (1); Likely benign (2). 1 of the submissions does not count toward it. Last evaluated 2026-08-01.

Conditions:
Cardiomyopathy (CMYO). Also called: Cardiomyopathies. Identifiers: Orphanet 167848, MedGen C0878544, MONDO:0004994, HP:0001638. Inheritance: Various modes of inheritance.
Becker muscular dystrophy (BMD). Also called: MUSCULAR DYSTROPHY, PSEUDOHYPERTROPHIC PROGRESSIVE, BECKER TYPE; Becker Muscular Dystrophy (BMD). Identifiers: Orphanet 98895, MedGen C0917713, MONDO:0010311, OMIM 300376.
Duchenne muscular dystrophy (DMD). Also called: Duchenne Muscular Dystrophy (DMD); MUSCULAR DYSTROPHY, PSEUDOHYPERTROPHIC PROGRESSIVE, DUCHENNE TYPE. Identifiers: Orphanet 98896, MedGen C0013264, MONDO:0010679, OMIM 310200.
Dystrophin deficiency.

Allele frequency attached by ClinVar (database versions not stated): gnomAD below 0.00001 and 0.00001; TOPMed below 0.00001; gnomAD exomes 0.00019; ExAC 0.00021.
gnomAD v4.1: 96 of 1,209,764 alleles (0.0079%); highest among the groups gnomAD compares: South Asian, 0.14%; 1 homozygote.

Submissions (5):

CeGaT Center for Human Genetics Tuebingen
Classification: Likely benign. Last evaluated: 2026-08-01. Review status: criteria provided, single submitter. Criteria: CeGaT Center For Human Genetics Tuebingen Variant Classification Criteria Version 2. Collection method: clinical testing. Allele origin: germline. Affected: yes. Observed: 2 variant alleles.
Comment: DMD: BP4, BS2

Labcorp Genetics (formerly Invitae), Labcorp
Classification: Benign for Duchenne muscular dystrophy. Last evaluated: 2026-02-04. Review status: criteria provided, single submitter. Criteria: Invitae Variant Classification Sherloc (09022015). Collection method: clinical testing. Allele origin: germline.

Blueprint Genetics
Classification: Likely benign. Last evaluated: 2024-08-01. Review status: criteria provided, single submitter. Criteria: ACMG Guidelines, 2015. Collection method: clinical testing. Allele origin: germline.

Revvity Omics, Revvity
Classification: Uncertain significance. Last evaluated: 2019-03-27. Review status: criteria provided, single submitter. Criteria: ACMG Guidelines, 2015. Collection method: clinical testing. Allele origin: germline.

Natera, Inc.
Classification: Likely benign for Becker muscular dystrophy; Cardiomyopathy; Duchenne muscular dystrophy; Dystrophin deficiency. Last evaluated: 2019-07-01. Review status: no assertion criteria provided. Collection method: clinical testing. Allele origin: germline. Not counted in ClinVar's aggregate classification.